The following is an entry in ClinVar:

ClinVar aggregate classification (germline): Uncertain significance (1 of 4 stars; one submission).

Submission:

Quest Diagnostics Nichols Institute San Juan Capistrano
Classification: Uncertain significance. Last evaluated: 2022-11-16. Review status: criteria provided, single submitter. Criteria: Quest Diagnostics criteria. Collection method: clinical testing. Allele origin: unknown.
Comment: This variant has not been reported in the published literature. It also has not been reported in large, multi-ethnic general populations. Analysis of this variant using bioinformatics tools for the prediction of the effect of amino acid changes on protein structure and function yielded conflicting predictions that this variant is benign or damaging. Based on the available information, we are unable to determine the clinical significance of this variant.

NM_000520.6(HEXA):c.106C>G (p.Arg36Gly)

Gene: HEXA (hexosaminidase subunit alpha; minus strand). Cytogenetic location: 15q23.
Variant type: single nucleotide variant.
Coding change: c.106C>G on transcript NM_000520.6 (MANE Select); coding-DNA position 106, C replaced by G.
Protein change: p.Arg36Gly; replaces arginine 36 with glycine.
Molecular consequence: missense variant. On other transcripts: non-coding transcript variant (1).
Genome position (GRCh38, 1-based): chr15:72,375,867, G>C on the plus strand (C>G on the coding strand, the complement: HEXA is on the minus strand). VCF-style: chr15-72375867-G-C. GRCh37 (hg19) VCF-style: chr15-72668208-G-C.
Other names: c.106C>G, p.Arg36Gly (NM_001318825.2); short protein forms R36G.
Identifiers: ClinVar variation 2681991 (VCV002681991.1), dbSNP rs2089059184, ClinGen allele CA393070538.
Genomic context (GRCh38, chr15:72,375,867, plus strand): 5'-GCTGCGCGGCCGAGCTGACATCGTACTGGAATTGAAAGTTGTTCGGGTAAAGGACGTAGC[G>C]CTGGTCGGAGGTTTGGAAGTTCTGAGGCCAGGGCCAGAGGGCCGTCGCCCGTCCTGCGAA-3'
Protein context (NP_000511.2, residues 26-46): WPQNFQTSDQ[Arg36Gly]YVLYPNNFQF